The following is an entry in ClinVar:

ClinVar aggregate classification (germline): Uncertain significance. Review status: criteria provided, multiple submitters, no conflicts (2 of 4 stars). 6 submissions from 6 submitters: Uncertain significance (6). Last evaluated 2026-01-11.

Conditions:
Brugada syndrome 8 (BRGDA8). Identifiers: Orphanet 130, MedGen C2751083, MONDO:0013148, OMIM 613123.
Cardiovascular phenotype. Identifiers: MedGen CN230736.

Allele frequency attached by ClinVar (database versions not stated): ExAC 0.00003; gnomAD 0.00004 and 0.00006; gnomAD exomes 0.00005 and 0.00017; ESP Exome Variant Server 0.00008; TOPMed 0.00008.
gnomAD v4.1: 258 of 1,613,978 alleles (0.016%); highest among the groups gnomAD compares: Non-Finnish European, 0.02%; no homozygotes.

Submissions (6):

Labcorp Genetics (formerly Invitae), Labcorp
Classification: Uncertain significance for Brugada syndrome 8. Last evaluated: 2026-01-11. Review status: criteria provided, single submitter. Criteria: Invitae Variant Classification Sherloc (09022015). Collection method: clinical testing. Allele origin: germline.
Comment: This sequence change replaces aspartic acid, which is acidic and polar, with asparagine, which is neutral and polar, at codon 546 of the HCN4 protein (p.Asp546Asn). This variant is present in population databases (rs370884239, gnomAD 0.01%). This missense change has been observed in individual(s) with HCN4-related conditions (PMID: 29247119). ClinVar contains an entry for this variant (Variation ID: 470650). Invitae Evidence Modeling of protein sequence and biophysical properties (such as structural, functional, and spatial information, amino acid conservation, physicochemical variation, residue mobility, and thermodynamic stability) has been performed for this missense variant. However, the output from this modeling did not meet the statistical confidence thresholds required to predict the impact of this variant on HCN4 protein function. Experimental studies have shown that this missense change affects HCN4 function (PMID: 30578647). In summary, the available evidence is currently insufficient to determine the role of this variant in disease. Therefore, it has been classified as a Variant of Uncertain Significance.

Women's Health and Genetics/Laboratory Corporation of America, LabCorp
Classification: Uncertain significance. Last evaluated: 2025-12-16. Review status: criteria provided, single submitter. Criteria: LabCorp Variant Classification Summary - May 2015. Collection method: clinical testing. Allele origin: germline.
Comment: Variant summary: HCN4 c.1636G>A (p.Asp546Asn) results in a conservative amino acid change in the encoded protein sequence. Algorithms developed to predict the effect of missense changes on protein structure and function are either unavailable or do not agree on the potential impact of this missense change. The variant allele was found at a frequency of 5.2e-05 in 251434 control chromosomes. The observed variant frequency exceeds the estimated maximal expected allele frequency for disease-causing variants in HCN4. c.1636G>A has been reported in the literature in an individual affected with Sudden Death (Lin_2017). These report(s) do not provide unequivocal conclusions about association of the variant with Sick Sinus Syndrome 2. At least one publication reports experimental evidence evaluating an impact on protein function, however, does not allow convincing conclusions about the variant effect (Dong_2019). The following publications have been ascertained in the context of this evaluation (PMID: 30578647, 29247119). ClinVar contains an entry for this variant (Variation ID: 470650). Based on the evidence outlined above, the variant was classified as uncertain significance.

GeneDx
Classification: Uncertain significance. Last evaluated: 2025-12-11. Review status: criteria provided, single submitter. Criteria: GeneDx Variant Classification Process June 2021. Collection method: clinical testing. Allele origin: germline. Affected: yes.
Comment: Reported in a patient with sudden infant death syndrome (PMID: 29247119, 30578647); Functional studies suggest the presence of this variant may alter channel function; however, it is not known whether these findings are clinically relevant in vivo (PMID: 30578647); In silico analysis supports that this missense variant has a deleterious effect on protein structure/function; This variant is associated with the following publications: (PMID: 30391667, 30578647, 30847666, 29247119)

Molecular Diagnostic Laboratory for Inherited Cardiovascular Disease, Montreal Heart Institute
Classification: Uncertain significance for Cardiovascular phenotype. Last evaluated: 2025-04-09. Review status: criteria provided, single submitter. Criteria: ACMG Guidelines, 2015. Collection method: clinical testing. Allele origin: germline. Affected: yes.

Ambry Genetics
Classification: Uncertain significance for Cardiovascular phenotype. Last evaluated: 2025-02-18. Review status: criteria provided, single submitter. Criteria: Ambry Variant Classification Scheme 2023. Collection method: clinical testing. Allele origin: germline.
Comment: The p.D546N variant (also known as c.1636G>A), located in coding exon 5 of the HCN4 gene, results from a G to A substitution at nucleotide position 1636. The aspartic acid at codon 546 is replaced by asparagine, an amino acid with highly similar properties. This variant was detected in a sudden unexplained death case; however, clinical information was limited (Lin Y et al. Circ Cardiovasc Genet, 2017 Dec;10). This variant was detected in a cardiomyopathy/arrhythmia genetic testing cohort; however, clinical details were limited, and additional cardiac variants were detected in some cases (van Lint FHM et al. Neth Heart J, 2019 Jun;27:304-309). Limited functional studies showed that p.D546N does not affect surface expression or cellular protein concentration, but it may have some impact on the channel open state and response to cAMP (Dong J et al. Pacing Clin Electrophysiol, 2019 02;42:275-282). This amino acid position is well conserved in available vertebrate species. In addition, the in silico prediction for this alteration is inconclusive. Since supporting evidence is limited at this time, the clinical significance of this alteration remains unclear.

Blueprint Genetics
Classification: Uncertain significance. Last evaluated: 2024-07-18. Review status: criteria provided, single submitter. Criteria: ACMG Guidelines, 2015. Collection method: clinical testing. Allele origin: germline.

Literature cited by the submitters: PubMed 29247119 (cited by 3 submitters); PubMed 30578647 (cited by 3 submitters); PubMed 30391667 (cited by Ambry Genetics); PubMed 30847666 (cited by Ambry Genetics).

NM_005477.3(HCN4):c.1636G>A (p.Asp546Asn)

Gene: HCN4 (hyperpolarization activated cyclic nucleotide gated potassium channel 4; minus strand). Cytogenetic location: 15q24.1.
Variant type: single nucleotide variant.
Coding change: c.1636G>A on transcript NM_005477.3 (MANE Select); coding-DNA position 1636, G replaced by A.
Protein change: p.Asp546Asn; replaces aspartic acid 546 with asparagine.
Molecular consequence: missense variant.
Genome position (GRCh38, 1-based): chr15:73,325,399, C>T on the plus strand (G>A on the coding strand, the complement: HCN4 is on the minus strand). VCF-style: chr15-73325399-C-T. GRCh37 (hg19) VCF-style: chr15-73617740-C-T.
Other names: short protein forms D546N.
Identifiers: ClinVar variation 470650 (VCV000470650.19), dbSNP rs370884239, ClinGen allele CA7649241.
Genomic context (GRCh38, chr15:73,325,399, plus strand): 5'-CGTCGAACATCTTGCCCTGGTAGCGGTGCTCGTAGTAGTCGTGGATGCGCTGCCGGGTGT[C>T]GGGCGGGAGCTTGTGAAAGGACATGTACTGCTCCACCTGCTTGTACTGAGGCCGGGAGAA-3'
Protein context (NP_005468.1, residues 536-556): QYMSFHKLPP[Asp546Asn]TRQRIHDYYE